The following is an entry in ClinVar:

NM_006516.4(SLC2A1):c.258C>T (p.Phe86=)

Gene: SLC2A1 (solute carrier family 2 member 1; minus strand). Cytogenetic location: 1p34.2.
Variant type: single nucleotide variant.
Coding change: c.258C>T on transcript NM_006516.4 (MANE Select); coding-DNA position 258, C replaced by T.
Protein change: p.Phe86=; no amino-acid change (phenylalanine 86 retained).
Molecular consequence: synonymous variant.
Genome position (GRCh38, 1-based): chr1:42,931,063, G>A on the plus strand (C>T on the coding strand, the complement: SLC2A1 is on the minus strand). VCF-style: chr1-42931063-G-A. GRCh37 (hg19) VCF-style: chr1-43396734-G-A.
Other names: p.F86F:TTC>TTT.
Identifiers: ClinVar variation 207180 (VCV000207180.34), dbSNP rs147319894, ClinGen allele CA318410.
Genomic context (GRCh38, chr1:42,931,063, plus strand): 5'-GCATGGGCCCTCCAAGGGCAGTGCCAGGACCTCTCCTACTTACCGGCCAAAGCGGTTAAC[G>A]AAAAGGCCCACAGAGAAGGAGCCAATCATGCCCCCAACAGAAAAGATGGCCACTGAGAGG-3'
Protein context (NP_006507.2, residues 76-96): GMIGSFSVGL[Phe86=]VNRFGRRNSM

ClinVar aggregate classification (germline): Conflicting classifications of pathogenicity. Review status: criteria provided, conflicting classifications (1 of 4 stars). 11 submissions from 7 submitters: Uncertain significance (1); Benign (6); Likely benign (4). Last evaluated 2026-04-03.

Conditions:
Hereditary cryohydrocytosis with reduced stomatin. Also called: GLUT1 DEFICIENCY SYNDROME WITH PSEUDOHYPERKALEMIA AND HEMOLYSIS; Stomatin-deficient cryohydrocytosis with neurologic defects. Identifiers: Orphanet 168577, MedGen C1837206, MONDO:0012143, OMIM 608885.
Dystonia 9 (DYT9). Also called: CHOREOATHETOSIS, KINESIGENIC, WITH EPISODIC ATAXIA AND SPASTICITY. Identifiers: Orphanet 53583, MedGen C1832855, MONDO:0010983, OMIM 601042.
Epilepsy, idiopathic generalized, susceptibility to, 12 (EIG12). Identifiers: MedGen C3553859, MONDO:0013919, OMIM 614847.
Encephalopathy due to GLUT1 deficiency. Also called: GLUT1 deficiency syndrome 1, infantile onset, severe; Classic Glucose Transporter Type 1 Deficiency Syndrome; GLUCOSE TRANSPORT DEFECT, BLOOD-BRAIN BARRIER; Glucose transporter protein syndrome; GLUT1 deficiency syndrome 1; De Vivo disease. Identifiers: Orphanet 71277, MedGen C4551966, MONDO:0011724, OMIM 606777.
Childhood onset GLUT1 deficiency syndrome 2. Also called: GLUT1 deficiency syndrome 2; Exertion-induced paroxysmal dyskinesia; Paroxysmal exercise-induced dystonia; PxMD-SLC2A1; PAROXYSMAL EXERCISE-INDUCED DYSKINESIA WITH OR WITHOUT EPILEPSY AND/OR HEMOLYTIC ANEMIA; PAROXYSMAL EXERTION-INDUCED DYSTONIA WITH OR WITHOUT EPILEPSY AND/OR HEMOLYTIC ANEMIA. Identifiers: Orphanet 98811, MedGen C1842534, MONDO:0012805, OMIM 612126.
GLUT1 deficiency syndrome 1, autosomal recessive. Identifiers: MedGen C3149117.

Allele frequency attached by ClinVar (database versions not stated): gnomAD 0.00007; ESP Exome Variant Server 0.00008; TOPMed 0.00008; ExAC 0.00010; gnomAD exomes 0.00012 and 0.00013.
gnomAD v4.1: 193 of 1,614,012 alleles (0.012%); highest among the groups gnomAD compares: South Asian, 0.025%; no homozygotes.

Submissions (11):

Women's Health and Genetics/Laboratory Corporation of America, LabCorp
Classification: Likely benign. Last evaluated: 2026-04-03. Review status: criteria provided, single submitter. Criteria: LabCorp Variant Classification Summary - May 2015. Collection method: clinical testing. Allele origin: germline.

Labcorp Genetics (formerly Invitae), Labcorp
Classification: Likely benign for GLUT1 deficiency syndrome 1, autosomal recessive. Last evaluated: 2025-10-01. Review status: criteria provided, single submitter. Criteria: Invitae Variant Classification Sherloc (09022015). Collection method: clinical testing. Allele origin: germline.

CeGaT Center for Human Genetics Tuebingen
Classification: Likely benign. Last evaluated: 2024-10-01. Review status: criteria provided, single submitter. Criteria: CeGaT Center For Human Genetics Tuebingen Variant Classification Criteria Version 2. Collection method: clinical testing. Allele origin: germline. Affected: yes. Observed: 1 variant allele.
Comment: SLC2A1: BP4, BP7

Blueprint Genetics
Classification: Likely benign. Last evaluated: 2024-03-25. Review status: criteria provided, single submitter. Criteria: ACMG Guidelines, 2015. Collection method: clinical testing. Allele origin: germline.

Genome-Nilou Lab
Classification: Benign for Epilepsy, idiopathic generalized, susceptibility to, 12. Last evaluated: 2023-04-11. Review status: criteria provided, single submitter. Criteria: ACMG Guidelines, 2015. Collection method: clinical testing. Allele origin: germline. Affected: no.

Genome-Nilou Lab
Classification: Benign for Dystonia 9. Last evaluated: 2023-04-11. Review status: criteria provided, single submitter. Criteria: ACMG Guidelines, 2015. Collection method: clinical testing. Allele origin: germline. Affected: no.

Genome-Nilou Lab
Classification: Benign for Encephalopathy due to GLUT1 deficiency. Last evaluated: 2023-04-11. Review status: criteria provided, single submitter. Criteria: ACMG Guidelines, 2015. Collection method: clinical testing. Allele origin: germline. Affected: no.

Genome-Nilou Lab
Classification: Benign for Childhood onset GLUT1 deficiency syndrome 2. Last evaluated: 2023-04-11. Review status: criteria provided, single submitter. Criteria: ACMG Guidelines, 2015. Collection method: clinical testing. Allele origin: germline. Affected: no.

Genome-Nilou Lab
Classification: Benign for Hereditary cryohydrocytosis with reduced stomatin. Last evaluated: 2023-04-11. Review status: criteria provided, single submitter. Criteria: ACMG Guidelines, 2015. Collection method: clinical testing. Allele origin: germline. Affected: no.

Eurofins Ntd Llc (ga)
Classification: Uncertain significance. Last evaluated: 2017-06-15. Review status: criteria provided, single submitter. Criteria: EGL Classification Definitions 2015. Collection method: clinical testing. Allele origin: germline. Observed: 1 variant allele, 1 heterozygote.

GeneDx
Classification: Benign. Last evaluated: 2014-12-04. Review status: criteria provided, single submitter. Criteria: GeneDx Variant Classification (06012015). Collection method: clinical testing. Allele origin: germline. Affected: yes.
Comment: This variant is considered likely benign or benign based on one or more of the following criteria: it is a conservative change, it occurs at a poorly conserved position in the protein, it is predicted to be benign by multiple in silico algorithms, and/or has population frequency not consistent with disease.